The following is an entry in ClinVar:

ClinVar aggregate classification (germline): Benign/Likely benign. Review status: criteria provided, multiple submitters, no conflicts (2 of 4 stars). 18 submissions from 18 submitters: Benign (8); Likely benign (5). 5 of the submissions do not count toward it. Last evaluated 2026-06-01.

Conditions:
Cardiovascular phenotype. Identifiers: MedGen CN230736.
Dilated cardiomyopathy 1M (CMD1M). Identifiers: Orphanet 154, MedGen C1843808, MONDO:0011840, OMIM 607482.
Hypertrophic cardiomyopathy 12. Identifiers: MedGen C2677491, MONDO:0012804, OMIM 612124.
Cardiomyopathy (CMYO). Also called: Cardiomyopathies. Identifiers: Orphanet 167848, MedGen C0878544, MONDO:0004994, HP:0001638. Inheritance: Various modes of inheritance.

Allele frequency attached by ClinVar (database versions not stated): 1000 Genomes Project 30x 0.00187; 1000 Genomes Project 0.00240; ExAC 0.00458; TOPMed 0.00465; gnomAD 0.00466 and 0.00499; gnomAD exomes 0.00505 and 0.00787; ESP Exome Variant Server 0.00539.
gnomAD v4.1: 12,242 of 1,613,806 alleles (0.76%); highest among the groups gnomAD compares: Non-Finnish European, 0.91%; 71 homozygotes.

Submissions (18):

CeGaT Center for Human Genetics Tuebingen
Classification: Likely benign. Last evaluated: 2026-06-01. Review status: criteria provided, single submitter. Criteria: CeGaT Center For Human Genetics Tuebingen Variant Classification Criteria Version 2. Collection method: clinical testing. Allele origin: germline. Affected: yes. Observed: 9 variant alleles.
Comment: CSRP3: BP4, BP7, BS2

Labcorp Genetics (formerly Invitae), Labcorp
Classification: Benign for Hypertrophic cardiomyopathy 12; Dilated cardiomyopathy 1M. Last evaluated: 2026-02-03. Review status: criteria provided, single submitter. Criteria: Invitae Variant Classification Sherloc (09022015). Collection method: clinical testing. Allele origin: germline.

ARUP Laboratories, Molecular Genetics and Genomics, ARUP Laboratories
Classification: Benign. Last evaluated: 2025-06-25. Review status: criteria provided, single submitter. Criteria: ARUP Molecular Germline Variant Investigation Process 2024. Collection method: clinical testing. Allele origin: germline.

Molecular Diagnostic Laboratory for Inherited Cardiovascular Disease, Montreal Heart Institute
Classification: Benign. Last evaluated: 2025-04-09. Review status: criteria provided, single submitter. Criteria: ACMG Guidelines, 2015. Collection method: clinical testing. Allele origin: germline. Affected: no.

Blueprint Genetics
Classification: Likely benign. Last evaluated: 2024-11-25. Review status: criteria provided, single submitter. Criteria: ACMG Guidelines, 2015. Collection method: clinical testing. Allele origin: germline.

CHEO Genetics Diagnostic Laboratory, Children's Hospital of Eastern Ontario
Classification: Benign for Cardiomyopathy. Last evaluated: 2018-11-28. Review status: criteria provided, single submitter. Criteria: ACMG Guidelines, 2015. Collection method: clinical testing. Allele origin: germline.

Illumina Laboratory Services, Illumina
Classification: Likely benign for Hypertrophic cardiomyopathy 12. Last evaluated: 2018-01-13. Review status: criteria provided, single submitter. Criteria: ICSL Variant Classification Criteria 13 December 2019. Collection method: clinical testing. Allele origin: germline.
Comment: This variant was observed in the ICSL laboratory as part of a predisposition screen in an ostensibly healthy population. It had not been previously curated by ICSL or reported in the Human Gene Mutation Database (HGMD: prior to June 1st, 2018), and was therefore a candidate for classification through an automated scoring system. Utilizing variant allele frequency, disease prevalence and penetrance estimates, and inheritance mode, an automated score was calculated to assess if this variant is too frequent to cause the disease. Based on the score and internal cut-off values, a variant classified as likely benign is not then subjected to further curation. The score for this variant resulted in a classification of likely benign for this disease.

Mayo Clinic Laboratories, Mayo Clinic
Classification: Benign. Last evaluated: 2016-02-12. Review status: criteria provided, single submitter. Criteria: ACMG Guidelines, 2015. Collection method: clinical testing. Allele origin: germline. Observed: 21 variant alleles.

Ambry Genetics
Classification: Likely benign for Cardiovascular phenotype. Last evaluated: 2015-05-04. Review status: criteria provided, single submitter. Criteria: Ambry Variant Classification Scheme 2023. Collection method: clinical testing. Allele origin: germline.

Eurofins Ntd Llc (ga)
Classification: Benign. Last evaluated: 2015-02-23. Review status: criteria provided, single submitter. Criteria: EGL Classification Definitions 2015. Collection method: clinical testing. Allele origin: germline. Observed: 1 variant allele, 1 heterozygote.

GeneDx
Classification: Benign. Last evaluated: 2013-04-29. Review status: criteria provided, single submitter. Criteria: GeneDx Variant Classification (06012015). Collection method: clinical testing. Allele origin: germline. Affected: yes.
Comment: This variant is considered likely benign or benign based on one or more of the following criteria: it is a conservative change, it occurs at a poorly conserved position in the protein, it is predicted to be benign by multiple in silico algorithms, and/or has population frequency not consistent with disease.

Laboratory for Molecular Medicine, Mass General Brigham Personalized Medicine
Classification: Benign. Last evaluated: 2010-01-11. Review status: criteria provided, single submitter. Criteria: LMM Criteria. Collection method: clinical testing. Allele origin: germline. Observed: 41 variant alleles.

Breakthrough Genomics
Classification: Likely benign. Review status: criteria provided, single submitter. Criteria: ACMG Guidelines, 2015. Collection method: not provided. Allele origin: germline. Inheritance: Autosomal dominant inheritance. Affected: yes.

Clinical Genetics DNA and cytogenetics Diagnostics Lab, Erasmus MC, Erasmus Medical Center
Classification: Benign. Review status: no assertion criteria provided. Collection method: clinical testing. Allele origin: germline. Affected: yes. Study: VKGL Data-share Consensus. Not counted in ClinVar's aggregate classification.

Clinical Genetics, Academic Medical Center
Classification: Benign. Review status: no assertion criteria provided. Collection method: clinical testing. Allele origin: germline. Affected: yes. Study: VKGL Data-share Consensus. Not counted in ClinVar's aggregate classification.

Diagnostic Laboratory, Department of Genetics, University Medical Center Groningen
Classification: Likely benign. Review status: no assertion criteria provided. Collection method: clinical testing. Allele origin: germline. Affected: yes. Study: VKGL Data-share Consensus. Not counted in ClinVar's aggregate classification.

Genome Diagnostics Laboratory, University Medical Center Utrecht
Classification: Benign. Review status: no assertion criteria provided. Collection method: clinical testing. Allele origin: germline. Affected: yes. Study: VKGL Data-share Consensus. Not counted in ClinVar's aggregate classification.

Joint Genome Diagnostic Labs from Nijmegen and Maastricht, Radboudumc and MUMC+
Classification: Benign. Review status: no assertion criteria provided. Collection method: clinical testing. Allele origin: germline. Affected: yes. Study: VKGL Data-share Consensus. Not counted in ClinVar's aggregate classification.

NM_003476.5(CSRP3):c.213C>T (p.Ile71=)

Gene: CSRP3 (cysteine and glycine rich protein 3; minus strand). Cytogenetic location: 11p15.1.
Variant type: single nucleotide variant.
Coding change: c.213C>T on transcript NM_003476.5 (MANE Select); coding-DNA position 213, C replaced by T.
Protein change: p.Ile71=; no amino-acid change (isoleucine 71 retained).
Molecular consequence: synonymous variant. On other transcripts: intron variant (1).
Genome position (GRCh38, 1-based): chr11:19,188,204, G>A on the plus strand (C>T on the coding strand, the complement: CSRP3 is on the minus strand). VCF-style: chr11-19188204-G-A. GRCh37 (hg19) VCF-style: chr11-19209751-G-A.
Other names: p.I71I:ATC>ATT; p.Ile71=; c.113-1856C>T (NM_001369404.1).
Identifiers: ClinVar variation 44692 (VCV000044692.76), dbSNP rs45476991, ClinGen allele CA134887.